The following is an entry in ClinVar:

NM_016038.4(SBDS):c.152T>C (p.Leu51Pro)

Gene: SBDS (SBDS ribosome maturation factor; minus strand). Cytogenetic location: 7q11.21.
Variant type: single nucleotide variant.
Coding change: c.152T>C on transcript NM_016038.4 (MANE Select); coding-DNA position 152, T replaced by C.
Protein change: p.Leu51Pro; replaces leucine 51 with proline.
Molecular consequence: missense variant.
Genome position (GRCh38, 1-based): chr7:66,994,318, A>G on the plus strand (T>C on the coding strand, the complement: SBDS is on the minus strand). VCF-style: chr7-66994318-A-G. GRCh37 (hg19) VCF-style: chr7-66459305-A-G.
Other names: short protein forms L51P.
Identifiers: ClinVar variation 4630246 (VCV004630246.1).

ClinVar aggregate classification (germline): Uncertain significance (1 of 4 stars; one submission).

Conditions:
Inborn genetic diseases. Identifiers: MedGen C0950123, MeSH D030342.

Submission:

Ambry Genetics
Classification: Uncertain significance for Inborn genetic diseases. Last evaluated: 2025-12-05. Review status: criteria provided, single submitter. Criteria: Ambry Variant Classification Scheme 2023. Collection method: clinical testing. Allele origin: germline.
Comment: The p.L51P variant (also known as c.152T>C), located in coding exon 2 of the SBDS gene, results from a T to C substitution at nucleotide position 152. The leucine at codon 51 is replaced by proline, an amino acid with similar properties. This amino acid position is conserved. In addition, this alteration is predicted to be deleterious by in silico analysis. Based on the available evidence, the clinical significance of this variant remains unclear.